The following is an entry in ClinVar:

NM_005359.6(SMAD4):c.1448-6T>C

Gene: SMAD4 (SMAD family member 4; plus strand). Cytogenetic location: 18q21.2.
Variant type: single nucleotide variant.
Coding change: c.1448-6T>C on transcript NM_005359.6 (MANE Select); 6 bases into the intron before coding-DNA position 1448, T replaced by C.
Molecular consequence: intron variant.
Genome position (GRCh38, 1-based): chr18:51,078,250, T>C. VCF-style: chr18-51078250-T-C. GRCh37 (hg19) VCF-style: chr18-48604620-T-C.
Identifiers: ClinVar variation 426048 (VCV000426048.13), dbSNP rs1085307437, ClinGen allele CA645294117.

ClinVar aggregate classification (germline): Likely benign. Review status: criteria provided, multiple submitters, no conflicts (2 of 4 stars). 4 submissions from 4 submitters: Likely benign (3). 1 of the submissions does not count toward it. Last evaluated 2025-03-24.

Conditions:
Juvenile polyposis syndrome (JPS). Identifiers: Orphanet 2929, MedGen C0345893, MONDO:0017380, OMIM 174900.
Juvenile polyposis/hereditary hemorrhagic telangiectasia syndrome (JPHT). Also called: POLYPOSIS, GENERALIZED JUVENILE, WITH PULMONARY ARTERIOVENOUS MALFORMATION; TELANGIECTASIA, HEREDITARY HEMORRHAGIC, WITH JUVENILE POLYPOSIS COLI; Juvenile Polyposis Syndrome / Hereditary Hemorrhagic Telangiectasia (JPS/HHT); JP/HHT SYNDROME; JUVENILE POLYPOSIS WITH HEREDITARY HEMORRHAGIC TELANGIECTASIA. Identifiers: Orphanet 2929, MedGen C1832942, MONDO:0008278, OMIM 175050.
Pulmonary hypertension, primary, 1 (PPH1). Also called: Pulmonary hypertension, familial primary, 1, with or without HHT. Identifiers: Orphanet 422, MedGen C4552070, MONDO:0024533, OMIM 178600.

Allele frequency attached by ClinVar (database versions not stated): gnomAD exomes below 0.00001.
gnomAD v4.1: 2 of 1,610,402 alleles (0.00012%); highest among the groups gnomAD compares: Non-Finnish European, 0.00017%; no homozygotes.

Submissions (4):

Myriad Genetics, Inc.
Classification: Likely benign for Juvenile polyposis/hereditary hemorrhagic telangiectasia syndrome. Last evaluated: 2025-03-24. Review status: criteria provided, single submitter. Criteria: Myriad Autosomal Dominant, Autosomal Recessive and X-Linked Classification Criteria (2023). Collection method: clinical testing. Allele origin: unknown.
Comment: This variant is considered likely benign. This variant is intronic and is not expected to impact mRNA splicing.

Center for Genomic Medicine, Rigshospitalet, Copenhagen University Hospital
Classification: Likely benign. Last evaluated: 2025-03-04. Review status: criteria provided, single submitter. Criteria: ACMG Guidelines, 2015. Collection method: clinical testing. Allele origin: germline.

Labcorp Genetics (formerly Invitae), Labcorp
Classification: Likely benign for Juvenile polyposis syndrome. Last evaluated: 2024-01-27. Review status: criteria provided, single submitter. Criteria: Invitae Variant Classification Sherloc (09022015). Collection method: clinical testing. Allele origin: germline.

Rare Disease Genomics Group, St George's University of London
Classification: Uncertain significance for Primary pulmonary hypertension. Review status: no assertion criteria provided. Collection method: literature only. Allele origin: germline. Affected: yes. Not counted in ClinVar's aggregate classification.

Literature cited by the submitters: PubMed 21898662 (cited by Rare Disease Genomics Group, St George's University of London).